The following is an entry in ClinVar:

NM_017635.5(KMT5B):c.754_757del (p.Val252fs)

Gene: KMT5B (lysine methyltransferase 5B; minus strand). Cytogenetic location: 11q13.2.
Variant type: Deletion.
Coding change: c.754_757del on transcript NM_017635.5 (MANE Select); coding-DNA positions 754 to 757, 4 bases deleted (GTCA; older notation c.754_757delGTCA).
Protein change: p.Val252fs; shifts the reading frame from valine 252.
Molecular consequence: frameshift variant. On other transcripts: non-coding transcript variant (2).
Genome position (GRCh38, 1-based): chr11:68,171,606-68,171,609, TGAC deleted on the plus strand (GTCA on the coding strand, the reverse complement: KMT5B is on the minus strand). VCF-style (leftmost placement, unchanged base first): chr11-68171605-ATGAC-A. GRCh37 (hg19) VCF-style: chr11-67939072-ATGAC-A.
Other names: c.34_37del, p.Val12fs (NM_001300908.2); c.685_688del, p.Val229fs (NM_001300909.2); c.754_757del, p.Val252fs (NM_001363566.2, NM_001369426.1, NM_001369427.1 and 1 more transcripts); c.238_241del, p.Val80fs (NM_001369424.1, NM_001300907.1, NM_001369428.1 and 5 more transcripts); c.541_544del, p.Val181fs (NM_001369425.1); short protein forms V12fs, V181fs, V229fs, V252fs, V80fs.
Identifiers: ClinVar variation 4850134 (VCV004850134.1).

ClinVar aggregate classification (germline): Pathogenic (1 of 4 stars; one submission).

Conditions:
Intellectual developmental disorder, autosomal dominant 51. Also called: MENTAL RETARDATION, AUTOSOMAL DOMINANT 51; Intellectual disability, autosomal dominant 51. Identifiers: Orphanet 684226, MedGen C4540474, MONDO:0030917, OMIM 617788.

Submission:

Variantyx, Inc.
Classification: Pathogenic for Intellectual developmental disorder, autosomal dominant 51. Last evaluated: 2025-03-04. Review status: criteria provided, single submitter. Criteria: Variantyx Assertion Criteria 2022. Collection method: clinical testing. Allele origin: de novo. Inheritance: Autosomal dominant inheritance. Affected: yes.
Comment: This is a stop gain variant in the KMT5B gene (OMIM: 610881). Pathogenic variants in this gene have been associated with autosomal dominant intellectual developmental disorder 51. Thie alteration introduces a premature termination codon in exon 7 out of 11 and is expected to result in loss of function, which is a known disease mechanism for KMT5B in this disorder (PMID:28191889) (PVS1). This variant is absent from control populations (PM2). Based on the current evidence, this variant is classified as pathogenic for autosomal dominant intellectual developmental disorder 51.

Literature cited by the submitters: PubMed 28191889.